The following is an entry in ClinVar:

NM_001130438.3(SPTAN1):c.6475G>A (p.Asp2159Asn)

Gene: SPTAN1 (spectrin alpha, non-erythrocytic 1; plus strand). Cytogenetic location: 9q34.11.
Variant type: single nucleotide variant.
Coding change: c.6475G>A on transcript NM_001130438.3 (MANE Select); coding-DNA position 6475, G replaced by A.
Protein change: p.Asp2159Asn; replaces aspartic acid 2159 with asparagine.
Molecular consequence: missense variant.
Genome position (GRCh38, 1-based): chr9:128,626,586, G>A. VCF-style: chr9-128626586-G-A. GRCh37 (hg19) VCF-style: chr9-131388865-G-A.
Other names: c.6400G>A, p.Asp2134Asn (NM_001195532.2, NM_001438441.1, NM_001438444.1); c.6475G>A, p.Asp2159Asn (NM_001363759.2, NM_001375310.1, NM_001375311.2 and 1 more transcripts); c.6415G>A, p.Asp2139Asn (NM_001363765.2, NM_001375314.2, NM_001438442.1); c.6511G>A, p.Asp2171Asn (NM_001375312.2, NM_001375318.1, NM_001438440.1); c.6460G>A, p.Asp2154Asn (NM_001438443.1, NM_001438445.1, NM_003127.4); short protein forms D2134N, D2139N, D2154N, D2159N, D2171N.
Identifiers: ClinVar variation 4755803 (VCV004755803.1).
Genomic context (GRCh38, chr9:128,626,586, plus strand): 5'-GACGCCTTCCGCTCCTCCCTCAGCTCTGCCCAGGCTGACTTCAACCAGCTGGCCGAGCTG[G>A]ACCGCCAGATCAAGAGCTTCCGCGTAGCCTCCAACCCCTACACCTGGTTTACCATGGAGG-3'
Protein context (NP_001123910.1, residues 2149-2169): QADFNQLAEL[Asp2159Asn]RQIKSFRVAS

ClinVar aggregate classification (germline): Uncertain significance (1 of 4 stars; one submission).

Submission:

GeneDx
Classification: Uncertain significance. Last evaluated: 2025-07-29. Review status: criteria provided, single submitter. Criteria: GeneDx Variant Classification Process June 2021. Collection method: clinical testing. Allele origin: germline. Affected: yes.
Comment: Not observed at significant frequency in large population cohorts (gnomAD); In silico analysis supports that this missense variant has a deleterious effect on protein structure/function; Has not been previously published as pathogenic or benign to our knowledge